The following is an entry in ClinVar:

NM_032119.4(ADGRV1):c.5110+13T>C

Gene: ADGRV1 (adhesion G protein-coupled receptor V1; plus strand). Cytogenetic location: 5q14.3.
Variant type: single nucleotide variant.
Coding change: c.5110+13T>C on transcript NM_032119.4 (MANE Select); 13 bases into the intron after coding-DNA position 5110, T replaced by C.
Molecular consequence: intron variant.
Genome position (GRCh38, 1-based): chr5:90,674,247, T>C. VCF-style: chr5-90674247-T-C. GRCh37 (hg19) VCF-style: chr5-89970064-T-C.
Identifiers: ClinVar variation 46332 (VCV000046332.8), dbSNP rs397517431, ClinGen allele CA138138.

ClinVar aggregate classification (germline): Likely benign. Review status: criteria provided, multiple submitters, no conflicts (2 of 4 stars). 3 submissions from 3 submitters: Likely benign (3). Last evaluated 2025-03-17.

Allele frequency attached by ClinVar (database versions not stated): gnomAD 0.00001; TOPMed 0.00001; gnomAD exomes 0.00002 and 0.00004; ExAC 0.00003.
gnomAD v4.1: 61 of 1,545,766 alleles (0.0039%); highest among the groups gnomAD compares: Non-Finnish European, 0.0053%; no homozygotes.

Submissions (3):

Labcorp Genetics (formerly Invitae), Labcorp
Classification: Likely benign. Last evaluated: 2025-03-17. Review status: criteria provided, single submitter. Criteria: Invitae Variant Classification Sherloc (09022015). Collection method: clinical testing. Allele origin: germline.

Blueprint Genetics
Classification: Likely benign. Last evaluated: 2022-03-29. Review status: criteria provided, single submitter. Criteria: ACMG Guidelines, 2015. Collection method: clinical testing. Allele origin: germline.

Laboratory for Molecular Medicine, Mass General Brigham Personalized Medicine
Classification: Likely benign. Last evaluated: 2012-09-28. Review status: criteria provided, single submitter. Criteria: LMM Criteria. Collection method: clinical testing. Allele origin: germline. Observed: 1 variant allele.
Comment: 5110+13T>C in intron 23 of GPR98: This variant is not expected to have clinical significance because it is not located within the conserved region of the splice consensus sequence.